The following is an entry in ClinVar:

ClinVar aggregate classification (germline): Conflicting classifications of pathogenicity. Review status: criteria provided, conflicting classifications (1 of 4 stars). 5 submissions from 5 submitters: Uncertain significance (1); Benign (1); Likely benign (2). 1 of the submissions does not count toward it. Last evaluated 2026-02-18.

Conditions:
KCNH1-related disorder. Also called: KCNH1-related disorders; KCNH1-related condition.
Inborn genetic diseases. Identifiers: MedGen C0950123, MeSH D030342.

Allele frequency attached by ClinVar (database versions not stated): gnomAD 0.00005; TOPMed 0.00007; ExAC 0.00015; gnomAD exomes 0.00016.
gnomAD v4.1: 101 of 1,613,730 alleles (0.0063%); highest among the groups gnomAD compares: Admixed American, 0.07%; no homozygotes.

Submissions (5):

Women's Health and Genetics/Laboratory Corporation of America, LabCorp
Classification: Likely benign. Last evaluated: 2026-02-18. Review status: criteria provided, single submitter. Criteria: LabCorp Variant Classification Summary - May 2015. Collection method: clinical testing. Allele origin: germline.
Comment: Variant summary: KCNH1 c.2434G>A (p.Ala812Thr) results in a non-conservative amino acid change in the encoded protein sequence. Algorithms developed to predict the effect of missense changes on protein structure and function all suggest that this variant is likely to be disruptive. The variant allele was found at a frequency of 0.00016 in 250840 control chromosomes, predominantly at a frequency of 0.001 within the Latino subpopulation in the gnomAD database. The observed variant frequency within Latino control individuals in the gnomAD database exceeds the estimated maximal expected allele frequency for disease-causing variants in KCNH1. To our knowledge, no occurrence of c.2434G>A in individuals affected with KCNH1-related conditions and no experimental evidence demonstrating its impact on protein function have been reported. ClinVar contains an entry for this variant (Variation ID: 717772). Based on the evidence outlined above, the variant was classified as likely benign.

Labcorp Genetics (formerly Invitae), Labcorp
Classification: Likely benign. Last evaluated: 2026-02-03. Review status: criteria provided, single submitter. Criteria: Invitae Variant Classification Sherloc (09022015). Collection method: clinical testing. Allele origin: germline.

Ambry Genetics
Classification: Uncertain significance for Inborn genetic diseases. Last evaluated: 2021-07-17. Review status: criteria provided, single submitter. Criteria: Ambry Variant Classification Scheme 2023. Collection method: clinical testing. Allele origin: germline.
Comment: The c.2434G>A (p.A812T) alteration is located in exon 11 (coding exon 11) of the KCNH1 gene. This alteration results from a G to A substitution at nucleotide position 2434, causing the alanine (A) at amino acid position 812 to be replaced by a threonine (T). The p.A812T alteration is predicted to be tolerated by in silico analysis. Based on insufficient or conflicting evidence, the clinical significance of this alteration remains unclear.

GeneDx
Classification: Benign. Last evaluated: 2020-02-20. Review status: criteria provided, single submitter. Criteria: GeneDx Variant Classification Process June 2021. Collection method: clinical testing. Allele origin: germline. Affected: yes.

PreventionGenetics, part of Exact Sciences
Classification: Likely benign for KCNH1-related condition. Last evaluated: 2022-08-19. Review status: no assertion criteria provided. Collection method: clinical testing. Allele origin: germline. Not counted in ClinVar's aggregate classification.
Comment: This variant is classified as likely benign based on ACMG/AMP sequence variant interpretation guidelines (Richards et al. 2015 PMID: 25741868, with internal and published modifications).

NM_172362.3(KCNH1):c.2434G>A (p.Ala812Thr)

Gene: KCNH1 (potassium voltage-gated channel subfamily H member 1; minus strand). Cytogenetic location: 1q32.2.
Variant type: single nucleotide variant.
Coding change: c.2434G>A on transcript NM_172362.3 (MANE Select); coding-DNA position 2434, G replaced by A.
Protein change: p.Ala812Thr; replaces alanine 812 with threonine.
Molecular consequence: missense variant.
Genome position (GRCh38, 1-based): chr1:210,683,817, C>T on the plus strand (G>A on the coding strand, the complement: KCNH1 is on the minus strand). VCF-style: chr1-210683817-C-T. GRCh37 (hg19) VCF-style: chr1-210857159-C-T.
Other names: c.2353G>A, p.Ala785Thr (NM_002238.4); short protein forms A785T, A812T.
Identifiers: ClinVar variation 717772 (VCV000717772.14), dbSNP rs759775665, ClinGen allele CA1379663.
Genomic context (GRCh38, chr1:210,683,817, plus strand): 5'-CACAATCGCCCCCGCCCCCCTTGGGGCCCAGGCACTCGGACCCTGGCGCCTGTAGCTTTG[C>T]GTGGTCTGGCACCCCGGAGGTGGAGGCTGCCTGGAAGGATACGGGCGTGGCAGGACTCTC-3'
Protein context (NP_758872.1, residues 802-822): AASTSGVPDH[Ala812Thr]KLQAPGSECL